The following is an entry in ClinVar:

ClinVar aggregate classification (germline): Uncertain significance (1 of 4 stars; one submission).

Conditions:
Cardiovascular phenotype. Identifiers: MedGen CN230736.

Submission:

Ambry Genetics
Classification: Uncertain significance for Cardiovascular phenotype. Last evaluated: 2023-10-23. Review status: criteria provided, single submitter. Criteria: Ambry Variant Classification Scheme 2023. Collection method: clinical testing. Allele origin: germline.
Comment: The p.D1361V variant (also known as c.4082A>T), located in coding exon 2 of the ZNF469 gene, results from an A to T substitution at nucleotide position 4082. The aspartic acid at codon 1361 is replaced by valine, an amino acid with highly dissimilar properties. This amino acid position is conserved. In addition, this alteration is predicted to be tolerated by in silico analysis. Since supporting evidence is limited at this time, the clinical significance of this alteration remains unclear.

NM_001367624.2(ZNF469):c.4166A>T (p.Asp1389Val)

Gene: ZNF469 (zinc finger protein 469; plus strand). Cytogenetic location: 16q24.2.
Variant type: single nucleotide variant.
Coding change: c.4166A>T on transcript NM_001367624.2 (MANE Select); coding-DNA position 4166, A replaced by T.
Protein change: p.Asp1389Val; replaces aspartic acid 1389 with valine.
Molecular consequence: missense variant.
Genome position (GRCh38, 1-based): chr16:88,431,636, A>T. VCF-style: chr16-88431636-A-T. GRCh37 (hg19) VCF-style: chr16-88498044-A-T.
Other names: NM_001127464.1:c.4082A>T; short protein forms D1389V.
Identifiers: ClinVar variation 3232805 (VCV003232805.1), dbSNP rs2507586483, ClinGen allele CA397089893.
Genomic context (GRCh38, chr16:88,431,636, plus strand): 5'-CCAAAAAGGGGCCTCAGCCCTACAGCAGCCCCCACAGTGAGTTGTTCCTCGGACCCAAAG[A>T]CCTGGCTGGCTGTTTCCTGGAAGAACTGCACCCCAAGCCCTCAGCCAGGGATGCCCCGCC-3'
Protein context (NP_001354553.1, residues 1379-1399): PHSELFLGPK[Asp1389Val]LAGCFLEELH